The following is an entry in ClinVar:

ClinVar aggregate classification (germline): Likely benign (1 of 4 stars; one submission).

Allele frequency attached by ClinVar (database versions not stated): gnomAD exomes below 0.00001; TOPMed below 0.00001.
gnomAD v4.1: 1 of 1,599,384 alleles (0.000063%); highest among the groups gnomAD compares: African/African-American, 0.0013%; no homozygotes.

Submission:

GeneDx
Classification: Likely benign. Last evaluated: 2017-10-02. Review status: criteria provided, single submitter. Criteria: GeneDx Variant Classification (06012015). Collection method: clinical testing. Allele origin: germline. Affected: yes.
Comment: This variant is considered likely benign or benign based on one or more of the following criteria: it is a conservative change, it occurs at a poorly conserved position in the protein, it is predicted to be benign by multiple in silico algorithms, and/or has population frequency not consistent with disease.

NM_033118.4(MYLK2):c.473+10C>T

Gene: MYLK2 (myosin light chain kinase 2; plus strand). Cytogenetic location: 20q11.21.
Variant type: single nucleotide variant.
Coding change: c.473+10C>T on transcript NM_033118.4 (MANE Select); 10 bases into the intron after coding-DNA position 473, C replaced by T.
Molecular consequence: intron variant.
Genome position (GRCh38, 1-based): chr20:31,820,556, C>T. VCF-style: chr20-31820556-C-T. GRCh37 (hg19) VCF-style: chr20-30408359-C-T.
Identifiers: ClinVar variation 512459 (VCV000512459.1), dbSNP rs958044110, ClinGen allele CA313849780.
Genomic context (GRCh38, chr20:31,820,556, plus strand): 5'-GGGCTCACCTGCCTTTCTGCATAGCCCCAGCTGTCCTGCCATCATCTCCAGGTGAATATC[C>T]CCTCCTGGGAGTGGGGAGGGGTCCTGTGGTTCTGTCCCTAGGGGTCCTGCTTAATTCCCT-3'